The following is an entry in ClinVar:

ClinVar aggregate classification (germline): Uncertain significance. Review status: criteria provided, multiple submitters, no conflicts (2 of 4 stars). 4 submissions from 4 submitters: Uncertain significance (4). Last evaluated 2023-08-01.

Conditions:
Cardiomyopathy (CMYO). Also called: Cardiomyopathies. Identifiers: Orphanet 167848, MedGen C0878544, MONDO:0004994, HP:0001638. Inheritance: Various modes of inheritance.
Hypertrophic cardiomyopathy 4. Also called: Familial hypertrophic cardiomyopathy 4. Identifiers: MedGen C1861862, MONDO:0007268, OMIM 115197.
Hypertrophic cardiomyopathy. Also called: HYPERTROPHIC MYOCARDIOPATHY. Identifiers: Orphanet 217569, MedGen C0007194, MeSH D002312, MONDO:0005045, HP:0001639.

Allele frequency attached by ClinVar (database versions not stated): gnomAD 0.00001 and below 0.00001.
gnomAD v4.1: 1 of 1,613,662 alleles (0.000062%); highest among the groups gnomAD compares: South Asian, 0.0011%; no homozygotes.

Submissions (4):

3billion
Classification: Uncertain significance for Hypertrophic cardiomyopathy 4. Last evaluated: 2023-08-01. Review status: criteria provided, single submitter. Criteria: ACMG Guidelines, 2015. Collection method: clinical testing. Allele origin: germline. Affected: yes.
Comment: The variant is not observed in the gnomAD v2.1.1 dataset. Predicted Consequence/Location: Missense variant In silico tool predictions suggest damaging effect of the variant on gene or gene product (REVEL: 0.88 (>=0.6, sensitivity 0.68 and specificity 0.92); 3Cnet: 0.07 (>=0.6, sensitivity 0.72 and precision 0.9)). The same nucleotide change resulting in the same amino acid change has been previously reported to be associated with MYBPC3 related disorder (PMID: 24793961). However, the evidence of pathogenicity is insufficient at this time. Therefore, this variant is classified as VUS according to the recommendation of ACMG/AMP guideline.

CHEO Genetics Diagnostic Laboratory, Children's Hospital of Eastern Ontario
Classification: Uncertain significance for Cardiomyopathy. Last evaluated: 2023-05-19. Review status: criteria provided, single submitter. Criteria: ACMG Guidelines, 2015. Collection method: clinical testing. Allele origin: germline.

Labcorp Genetics (formerly Invitae), Labcorp
Classification: Uncertain significance for Hypertrophic cardiomyopathy. Last evaluated: 2022-04-15. Review status: criteria provided, single submitter. Criteria: Invitae Variant Classification Sherloc (09022015). Collection method: clinical testing. Allele origin: germline.
Comment: In summary, the available evidence is currently insufficient to determine the role of this variant in disease. Therefore, it has been classified as a Variant of Uncertain Significance. Algorithms developed to predict the effect of missense changes on protein structure and function (SIFT, PolyPhen-2, Align-GVGD) all suggest that this variant is likely to be disruptive. ClinVar contains an entry for this variant (Variation ID: 42720). This missense change has been observed in individual(s) with hypertrophic cardiomyopathy (PMID: 24793961, 27532257, 33673806). This variant is not present in population databases (gnomAD no frequency). This sequence change replaces phenylalanine, which is neutral and non-polar, with cysteine, which is neutral and slightly polar, at codon 1183 of the MYBPC3 protein (p.Phe1183Cys).

Laboratory for Molecular Medicine, Mass General Brigham Personalized Medicine
Classification: Uncertain significance. Last evaluated: 2022-03-23. Review status: criteria provided, single submitter. Criteria: ACMG Guidelines, 2015. Collection method: clinical testing. Allele origin: germline.
Comment: proposed classification - variant undergoing re-assessment, contact laboratory

Literature cited by the submitters: PubMed 24793961 (cited by 3billion and Labcorp Genetics (formerly Invitae), Labcorp); PubMed 27532257 (cited by Labcorp Genetics (formerly Invitae), Labcorp); PubMed 33673806 (cited by Labcorp Genetics (formerly Invitae), Labcorp).

NM_000256.3(MYBPC3):c.3548T>G (p.Phe1183Cys)

Gene: MYBPC3 (myosin binding protein C3; minus strand). Cytogenetic location: 11p11.2.
Variant type: single nucleotide variant.
Coding change: c.3548T>G on transcript NM_000256.3 (MANE Select); coding-DNA position 3548, T replaced by G.
Protein change: p.Phe1183Cys; replaces phenylalanine 1183 with cysteine.
Molecular consequence: missense variant.
Genome position (GRCh38, 1-based): chr11:47,332,645, A>C on the plus strand (T>G on the coding strand, the complement: MYBPC3 is on the minus strand). VCF-style: chr11-47332645-A-C. GRCh37 (hg19) VCF-style: chr11-47354196-A-C.
Other names: short protein forms F1183C.
Identifiers: ClinVar variation 42720 (VCV000042720.16), dbSNP rs397516024, ClinGen allele CA014323.